The following is an entry in ClinVar:

NM_001142800.2(EYS):c.8111T>G (p.Leu2704Ter)

Gene: EYS (EGF-like photoreceptor maintenance factor; minus strand). Cytogenetic location: 6q12.
Variant type: single nucleotide variant.
Coding change: c.8111T>G on transcript NM_001142800.2 (MANE Select); coding-DNA position 8111, T replaced by G.
Protein change: p.Leu2704Ter; replaces leucine 2704 with a stop codon.
Molecular consequence: nonsense.
Genome position (GRCh38, 1-based): chr6:63,726,641, A>C on the plus strand (T>G on the coding strand, the complement: EYS is on the minus strand). VCF-style: chr6-63726641-A-C. GRCh37 (hg19) VCF-style: chr6-64436534-A-C.
Other names: c.8174T>G, p.Leu2725Ter (NM_001292009.2); short protein forms L2704*, L2725*.
Identifiers: ClinVar variation 632492 (VCV000632492.22), dbSNP rs779983752, ClinGen allele CA3876734.

ClinVar aggregate classification (germline): Pathogenic/Likely pathogenic. Review status: criteria provided, multiple submitters, no conflicts (2 of 4 stars). 8 submissions from 8 submitters: Pathogenic (6); Likely pathogenic (2). Last evaluated 2025-11-04.

Conditions:
EYS-related disorder. Also called: EYS-related condition.
Retinitis pigmentosa (RP). Identifiers: Orphanet 791, MedGen C0035334, MeSH D012174, MONDO:0019200, OMIM 268000. Inheritance: Autosomal dominant, autosomal recessive and X linked inheritance.
Retinitis pigmentosa 25 (RP25). Identifiers: Orphanet 791, MedGen C1864446, MONDO:0011272, OMIM 602772.

Allele frequency attached by ClinVar (database versions not stated): gnomAD 0.00003; gnomAD exomes 0.00004 and 0.00008; ExAC 0.00005; TOPMed 0.00006.
gnomAD v4.1: 115 of 1,551,232 alleles (0.0074%); highest among the groups gnomAD compares: Non-Finnish European, 0.0096%; no homozygotes.

Submissions (8):

Labcorp Genetics (formerly Invitae), Labcorp
Classification: Pathogenic. Last evaluated: 2025-11-04. Review status: criteria provided, single submitter. Criteria: Invitae Variant Classification Sherloc (09022015). Collection method: clinical testing. Allele origin: germline.
Comment: This sequence change creates a premature translational stop signal (p.Leu2704*) in the EYS gene. It is expected to result in an absent or disrupted protein product. Loss-of-function variants in EYS are known to be pathogenic (PMID: 18836446, 20333770). This variant is present in population databases (rs779983752, gnomAD 0.01%). This premature translational stop signal has been observed in individual(s) with retinitis pigmentosa (PMID: 29550188). ClinVar contains an entry for this variant (Variation ID: 632492). For these reasons, this variant has been classified as Pathogenic.

Natera, Inc.
Classification: Pathogenic for Retinitis pigmentosa type 25. Last evaluated: 2025-07-25. Review status: criteria provided, single submitter. Criteria: Natera Variant Classification Schema (03/2026). Collection method: clinical testing. Allele origin: germline.
Comment: The c.8111T>G variant in EYS is a nonsense variant predicted to introduce a stop codon at amino acid 2704. This variant is expected to result in nonsense mediated decay, truncation, or a dysfunctional protein product. This variant is rare in the general population with a frequency below the threshold expected for the associated phenotype(s). This variant has been observed in one or more individuals affected with the associated recessive disease, as either homozygous or compound heterozygous with a second variant (PMID: 29550188). Given the available evidence, this variant is classified as Pathogenic.

PreventionGenetics, part of Exact Sciences
Classification: Pathogenic for EYS-related condition. Last evaluated: 2025-04-17. Review status: criteria provided, single submitter. Criteria: ACMG Guidelines, 2015. Collection method: clinical testing. Allele origin: germline.
Comment: The EYS c.8111T>G variant is predicted to result in premature protein termination (p.Leu2704*). This variant has been reported in an individual with retinitis pigmentosa (Sengillo et al. 2018. PubMed ID: 29550188). This variant is present in 0.0080% of alleles in individuals of European (Non-Finnish) descent in gnomAD. Nonsense variants in EYS are an established mechanism of disease. This variant is interpreted as pathogenic.

Baylor Genetics
Classification: Pathogenic for Retinitis pigmentosa 25. Last evaluated: 2024-03-28. Review status: criteria provided, single submitter. Criteria: ACMG Guidelines, 2015. Collection method: clinical testing. Allele origin: unknown.

Women's Health and Genetics/Laboratory Corporation of America, LabCorp
Classification: Pathogenic for Retinitis pigmentosa. Last evaluated: 2023-12-13. Review status: criteria provided, single submitter. Criteria: LabCorp Variant Classification Summary - May 2015. Collection method: clinical testing. Allele origin: germline.
Comment: Variant summary: EYS c.8111T>G (p.Leu2704X) results in a premature termination codon, predicted to cause a truncation of the encoded protein or absence of the protein due to nonsense mediated decay, which are commonly known mechanisms for disease. The variant allele was found at a frequency of 3.9e-05 in 153424 control chromosomes (gnomAD). The available data on variant occurrences in the general population are insufficient to allow any conclusion about variant significance. c.8111T>G has been reported in the literature in individuals affected with retinal dystrophy (e.g., Sengillo_2018). These data indicate that the variant is very likely to be associated with disease. The following publication was ascertained in the context of this evaluation (PMID: 29550188). Five submitters have reported clinical-significance assessments for this variant to ClinVar after 2014. All submitters classified the variant as pathogenic/likely pathogenic. Based on the evidence outlined above, the variant was classified as pathogenic.

GeneDx
Classification: Likely pathogenic. Last evaluated: 2022-06-27. Review status: criteria provided, single submitter. Criteria: GeneDx Variant Classification Process June 2021. Collection method: clinical testing. Allele origin: germline. Affected: yes.
Comment: Nonsense variant predicted to result in protein truncation or nonsense mediated decay in a gene for which loss of function is a known mechanism of disease; This variant is associated with the following publications: (PMID: 34598035, 29550188)

Blueprint Genetics
Classification: Pathogenic for EYS-related disorders. Last evaluated: 2022-04-03. Review status: criteria provided, single submitter. Criteria: ACMG Guidelines, 2015. Collection method: clinical testing. Allele origin: germline. Affected: yes. Observed: 5 variant alleles.

Illumina Laboratory Services, Illumina
Classification: Likely pathogenic for Retinitis pigmentosa. Last evaluated: 2019-01-09. Review status: criteria provided, single submitter. Criteria: ICSL Variant Classification Criteria 09 May 2019. Collection method: clinical testing. Allele origin: germline.
Comment: The EYS c.8111T>G (p.Leu2704Ter) stop-gained variant has been reported in one study and identified in two compound heterozygotes with retinitis pigmentosa (Sengillo et al. 2018). One of the individuals had a second frameshift variant and the other had a second missense variant. Control data are unavailable for this variant which is reported at a frequency of 0.000080 in the European (non-Finnish) population of the Genome Aggregation Database. Based on the evidence, the p.Leu2704Ter variant is classified as likely pathogenic for autosomal recessive retinitis pigmentosa. This variant was observed by ICSL as part of a predisposition screen in an ostensibly healthy population.

Literature cited by the submitters: PubMed 18836446 (cited by Labcorp Genetics (formerly Invitae), Labcorp); PubMed 20333770 (cited by Labcorp Genetics (formerly Invitae), Labcorp); PubMed 29550188 (cited by 4 submitters).